The following is an entry in ClinVar:

ClinVar aggregate classification (germline): Pathogenic. Review status: criteria provided, multiple submitters, no conflicts (2 of 4 stars). 2 submissions from 2 submitters: Pathogenic (2). Last evaluated 2021-10-18.

Conditions:
Tuberous sclerosis 2 (TSC2). Identifiers: Orphanet 805, MedGen C1860707, MONDO:0013199, OMIM 613254.

Submissions (2):

MGZ Medical Genetics Center
Classification: Pathogenic for Tuberous sclerosis 2. Last evaluated: 2021-10-18. Review status: criteria provided, single submitter. Criteria: ACMG Guidelines, 2015. Collection method: clinical testing. Allele origin: germline. Affected: yes. Observed: 1 variant allele.
Comment: ACMG criteria applied: PVS1, PS4_SUP, PM2_SUP

GeneDx
Classification: Pathogenic. Last evaluated: 2017-03-28. Review status: criteria provided, single submitter. Criteria: GeneDx Variant Classification (06012015). Collection method: clinical testing. Allele origin: germline. Affected: yes.
Comment: The c.4006 -1 G>A splice site pathogenic variant in the TSC2 gene destroys the canonical splice acceptor site in intron 33. It is predicted to cause abnormal gene splicing, either leading to an abnormal message that is subject to nonsense-mediated mRNA decay, or to an abnormal protein product if the message is used for protein translation. Additionally, this variant has been reported in association with seizures in a child and parent (TSC2 LOVD). Furthermore, the c.4006 -1 G>A variant is not observed in large population cohorts (Lek et al., 2016; 1000 Genomes Consortium et al., 2015; Exome Variant Server).

NM_000548.5(TSC2):c.4006-1G>A

Gene: TSC2 (TSC complex subunit 2; plus strand). Cytogenetic location: 16p13.3.
Variant type: single nucleotide variant.
Coding change: c.4006-1G>A on transcript NM_000548.5 (MANE Select); the canonical splice acceptor site of the intron before coding-DNA position 4006, G replaced by A.
Molecular consequence: splice acceptor variant.
Genome position (GRCh38, 1-based): chr16:2,084,227, G>A. VCF-style: chr16-2084227-G-A. GRCh37 (hg19) VCF-style: chr16-2134228-G-A.
Other names: c.2464-1G>A (NM_001406693.1, NM_001406692.1, NM_001406694.1); c.3898-1G>A (NM_001406667.1); c.3895-1G>A (NM_001406668.1); c.3406-1G>A (NM_001406680.1); c.3337-1G>A (NM_001406683.1, NM_001406682.1); c.3205-1G>A (NM_001406687.1, NM_001406688.1); c.2593-1G>A (NM_001406689.1); c.2533-1G>A (NM_001406690.1); and 26 more.
Identifiers: ClinVar variation 426923 (VCV000426923.4), dbSNP rs1085307853, ClinGen allele CA394299109.